The following is an entry in ClinVar:

ClinVar aggregate classification (germline): Uncertain significance. Review status: criteria provided, multiple submitters, no conflicts (2 of 4 stars). 2 submissions from 2 submitters: Uncertain significance (2). Last evaluated 2025-05-30.

Conditions:
Wilson disease (WND). Also called: Wilson's disease. Identifiers: Orphanet 905, MedGen C0019202, MONDO:0010200, OMIM 277900. Disease mechanism: loss of function.

Submissions (2):

Color Diagnostics, LLC DBA Color Health
Classification: Uncertain significance for Wilson disease. Last evaluated: 2025-05-30. Review status: criteria provided, single submitter. Criteria: ACMG Guidelines, 2015. Collection method: clinical testing. Allele origin: germline.
Comment: This missense variant replaces leucine with phenylalanine at codon 798 of the ATP7B protein. Computational prediction suggests that this variant may have deleterious impact on protein structure and function. To our knowledge, functional studies have not been reported for this variant. This variant has not been reported in individuals affected with ATP7B-related disorders in the literature. This variant has not been identified in the general population by the Genome Aggregation Database (gnomAD). The available evidence is insufficient to determine the role of this variant in disease conclusively. Therefore, this variant is classified as a Variant of Uncertain Significance.

Labcorp Genetics (formerly Invitae), Labcorp
Classification: Uncertain significance for Wilson disease. Last evaluated: 2022-08-21. Review status: criteria provided, single submitter. Criteria: Invitae Variant Classification Sherloc (09022015). Collection method: clinical testing. Allele origin: germline.
Comment: This sequence change replaces leucine, which is neutral and non-polar, with phenylalanine, which is neutral and non-polar, at codon 798 of the ATP7B protein (p.Leu798Phe). This variant is not present in population databases (gnomAD no frequency). This variant has not been reported in the literature in individuals affected with ATP7B-related conditions. Advanced modeling of protein sequence and biophysical properties (such as structural, functional, and spatial information, amino acid conservation, physicochemical variation, residue mobility, and thermodynamic stability) performed at Invitae indicates that this missense variant is expected to disrupt ATP7B protein function. In summary, the available evidence is currently insufficient to determine the role of this variant in disease. Therefore, it has been classified as a Variant of Uncertain Significance.

NM_000053.4(ATP7B):c.2392C>T (p.Leu798Phe)

Gene: ATP7B (ATPase copper transporting beta; minus strand). Cytogenetic location: 13q14.3.
Variant type: single nucleotide variant.
Coding change: c.2392C>T on transcript NM_000053.4 (MANE Select); coding-DNA position 2392, C replaced by T.
Protein change: p.Leu798Phe; replaces leucine 798 with phenylalanine.
Molecular consequence: missense variant.
Genome position (GRCh38, 1-based): chr13:51,957,571, G>A on the plus strand (C>T on the coding strand, the complement: ATP7B is on the minus strand). VCF-style: chr13-51957571-G-A. GRCh37 (hg19) VCF-style: chr13-52531707-G-A.
Other names: c.2248C>T, p.Leu750Phe (NM_001406521.1, NM_001406522.1, NM_001406520.1 and 1 more transcripts); c.2392C>T, p.Leu798Phe (NM_001406523.1, NM_001406525.1, NM_001406526.1 and 7 more transcripts); c.2215C>T, p.Leu739Phe (NM_001406524.1); c.2158C>T, p.Leu720Phe (NM_001406527.1, NM_001406528.1, NM_001330578.2 and 2 more transcripts); c.2152C>T, p.Leu718Phe (NM_001406530.1); c.2140C>T, p.Leu714Phe (NM_001406531.1, NM_001330579.2, NM_001406532.1 and 1 more transcripts); c.1906C>T, p.Leu636Phe (NM_001005918.3, NM_001406541.1, NM_001406542.1 and 1 more transcripts); c.2059C>T, p.Leu687Phe (NM_001243182.2); and 7 more; short protein forms L636F, L655F, L766F, L604F, L688F, L718F, L787F, L682F.
Identifiers: ClinVar variation 2154278 (VCV002154278.2), dbSNP rs1958437080, ClinGen allele CA388020344.